The following is an entry in ClinVar:

NM_003072.5(SMARCA4):c.2481C>G (p.Pro827=)

Gene: SMARCA4 (SWI/SNF related BAF chromatin remodeling complex subunit ATPase 4; plus strand). Cytogenetic location: 19p13.2.
Variant type: single nucleotide variant.
Coding change: c.2481C>G on transcript NM_003072.5 (MANE Select); coding-DNA position 2481, C replaced by G.
Protein change: p.Pro827=; no amino-acid change (proline 827 retained).
Molecular consequence: synonymous variant. On other transcripts: non-coding transcript variant (1).
Genome position (GRCh38, 1-based): chr19:11,018,999, C>G. VCF-style: chr19-11018999-C-G. GRCh37 (hg19) VCF-style: chr19-11129675-C-G.
Other names: c.2481C>G, p.Pro827= (NM_001128844.3, NM_001128845.2, NM_001128846.2 and 6 more transcripts).
Identifiers: ClinVar variation 2447204 (VCV002447204.3), dbSNP rs1451565392, ClinGen allele CA505490163.

ClinVar aggregate classification (germline): Benign/Likely benign. Review status: criteria provided, multiple submitters, no conflicts (2 of 4 stars). 2 submissions from 2 submitters: Benign (1); Likely benign (1). Last evaluated 2026-07-13.

Conditions:
Rhabdoid tumor predisposition syndrome 2 (RTPS2). Identifiers: Orphanet 231108, Orphanet 69077, MedGen C2750074, MONDO:0013224, OMIM 613325.
Hereditary cancer-predisposing syndrome. Also called: Neoplastic Syndromes, Hereditary; Tumor predisposition; Hereditary Cancer Syndrome; Hereditary neoplastic syndrome. Identifiers: Orphanet 140162, MedGen C0027672, MeSH D009386, MONDO:0015356.

gnomAD v4.1: 2 of 1,614,164 alleles (0.00012%); highest among the groups gnomAD compares: Non-Finnish European, 0.00017%; no homozygotes.

Submissions (2):

Myriad Genetics, Inc.
Classification: Benign for Rhabdoid tumor predisposition syndrome 2. Last evaluated: 2026-07-13. Review status: criteria provided, single submitter. Criteria: Myriad Autosomal Dominant, Autosomal Recessive and X-Linked Classification Criteria (2023). Collection method: clinical testing. Allele origin: unknown.
Comment: This variant is considered benign. This variant is a silent/synonymous amino acid change and it is not expected to impact splicing.

Ambry Genetics
Classification: Likely benign for Hereditary cancer-predisposing syndrome. Last evaluated: 2023-01-26. Review status: criteria provided, single submitter. Criteria: Ambry Variant Classification Scheme 2023. Collection method: clinical testing. Allele origin: germline.